The following is an entry in ClinVar:

ClinVar aggregate classification (germline): Uncertain significance (1 of 4 stars; one submission).

Submission:

Ambry Genetics
Classification: Uncertain significance. Last evaluated: 2025-03-24. Review status: criteria provided, single submitter. Criteria: Ambry Variant Classification Scheme 2023. Collection method: clinical testing. Allele origin: germline.
Comment: The p.L1192I variant (also known as c.3574C>A), located in coding exon 5 of the MLH3 gene, results from a C to A substitution at nucleotide position 3574. The leucine at codon 1192 is replaced by isoleucine, an amino acid with highly similar properties. This amino acid position is conserved. In addition, the in silico prediction for this alteration is inconclusive. Based on the available evidence, the clinical significance of this variant remains unclear.

NM_001040108.2(MLH3):c.3574C>A (p.Leu1192Ile)

Gene: MLH3 (mutL homolog 3; minus strand). Cytogenetic location: 14q24.3.
Variant type: single nucleotide variant.
Coding change: c.3574C>A on transcript NM_001040108.2 (MANE Select); coding-DNA position 3574, C replaced by A.
Protein change: p.Leu1192Ile; replaces leucine 1192 with isoleucine.
Molecular consequence: missense variant.
Genome position (GRCh38, 1-based): chr14:75,038,409, G>T on the plus strand (C>A on the coding strand, the complement: MLH3 is on the minus strand). VCF-style: chr14-75038409-G-T. GRCh37 (hg19) VCF-style: chr14-75505112-G-T.
Other names: c.3574C>A, p.Leu1192Ile (NM_014381.3); short protein forms L1192I.
Identifiers: ClinVar variation 4055463 (VCV004055463.1).
Genomic context (GRCh38, chr14:75,038,409, plus strand): 5'-CATTCTCTTCAGTCTTAGTGCTCATCAAACAGGCAATAAACTTGTTATCTACTTGCTGGA[G>T]AACCTGTCAGACATTCAAATAAGTGGTACAACACTAAATAAAAATTAACAAAGGCTTATT-3'
Protein context (NP_001035197.1, residues 1182-1202): TKGMIHSMQV[Leu1192Ile]QQVDNKFIAC